The following is an entry in ClinVar:

NM_000059.4(BRCA2):c.4974del (p.Gln1658fs)

Gene: BRCA2 (BRCA2 DNA repair associated; plus strand). Cytogenetic location: 13q13.1.
Variant type: Deletion.
Coding change: c.4974del on transcript NM_000059.4 (MANE Select); coding-DNA position 4974, one base deleted (G; older notation c.4974delG).
Protein change: p.Gln1658fs; shifts the reading frame from glutamine 1658.
Molecular consequence: frameshift variant.
Genome position (GRCh38, 1-based): chr13:32,339,329, G deleted. VCF-style (leftmost placement, unchanged base first): chr13-32339328-AG-A. GRCh37 (hg19) VCF-style: chr13-32913465-AG-A.
Other names: c.4974delG (NM_000059.3); short protein forms Q1658fs.
Identifiers: ClinVar variation 545817 (VCV000545817.8), dbSNP rs1555284013, ClinGen allele CA658823625.
Genomic context (GRCh38, chr13:32,339,328, plus strand): 5'-AAGTACATGAAAATGTAGAAAAAGAAACAGCAAAAAGTCCTGCAACTTGTTACACAAATC[AG>A]TCCCCTTATTCAGTCATTGAAAATTCAGCCTTAGCTTTTTACACAAGTTGTAGTAGAAAA-3'

ClinVar aggregate classification (germline): Pathogenic. Review status: criteria provided, multiple submitters, no conflicts (2 of 4 stars). 2 submissions from 2 submitters: Pathogenic (2). Last evaluated 2021-11-19.

Conditions:
Hereditary breast ovarian cancer syndrome. Also called: Hereditary breast and ovarian cancer; Hereditary breast and/or ovarian cancer syndrome; Hereditary breast and ovarian cancer syndrome; Hereditary breast and ovarian cancer syndrome (HBOC); Breast and ovarian cancer; BRCA1- and BRCA2-Associated Hereditary Breast and Ovarian Cancer. Identifiers: Orphanet 145, MedGen C0677776, MeSH D061325, MONDO:0003582. Disease mechanism: loss of function.

Submissions (2):

Labcorp Genetics (formerly Invitae), Labcorp
Classification: Pathogenic for Hereditary breast ovarian cancer syndrome. Last evaluated: 2021-11-19. Review status: criteria provided, single submitter. Criteria: Invitae Variant Classification Sherloc (09022015). Collection method: clinical testing. Allele origin: germline.
Comment: For these reasons, this variant has been classified as Pathogenic. ClinVar contains an entry for this variant (Variation ID: 545817). This variant has not been reported in the literature in individuals affected with BRCA2-related conditions. This variant is not present in population databases (gnomAD no frequency). This sequence change creates a premature translational stop signal (p.Gln1658Hisfs*12) in the BRCA2 gene. It is expected to result in an absent or disrupted protein product. Loss-of-function variants in BRCA2 are known to be pathogenic (PMID: 20104584).

GeneDx
Classification: Pathogenic. Last evaluated: 2017-08-22. Review status: criteria provided, single submitter. Criteria: GeneDx Variant Classification (06012015). Collection method: clinical testing. Allele origin: germline. Affected: yes.
Comment: This deletion of one nucleotide in BRCA2 is denoted c.4974delG at the cDNA level and p.Gln1658HisfsX12 (Q1658HfsX12) at the protein level. This deletion would be defined as BRCA2 5202delG using alternate nomenclature. The normal sequence, with the base that is deleted in brackets, is ATCA[delG]TCCC. The deletion causes a frameshift which changes a Glutamine to a Histidine at codon 1658, and creates a premature stop codon at position 12 of the new reading frame. Although this variant has not, to our knowledge, been reported in the literature, it is predicted to cause loss of normal protein function through either protein truncation or nonsense-mediated mRNA decay. We consider this variant to be pathogenic.

Literature cited by the submitters: PubMed 20104584 (cited by Labcorp Genetics (formerly Invitae), Labcorp).